The following is an entry in ClinVar:

NM_000428.3(LTBP2):c.4663C>T (p.Pro1555Ser)

Gene: LTBP2 (latent transforming growth factor beta binding protein 2; minus strand). Cytogenetic location: 14q24.3.
Variant type: single nucleotide variant.
Coding change: c.4663C>T on transcript NM_000428.3 (MANE Select); coding-DNA position 4663, C replaced by T.
Protein change: p.Pro1555Ser; replaces proline 1555 with serine.
Molecular consequence: missense variant.
Genome position (GRCh38, 1-based): chr14:74,503,526, G>A on the plus strand (C>T on the coding strand, the complement: LTBP2 is on the minus strand). VCF-style: chr14-74503526-G-A. GRCh37 (hg19) VCF-style: chr14-74970229-G-A.
Other names: short protein forms P1555S.
Identifiers: ClinVar variation 1991054 (VCV001991054.1), dbSNP rs747149432, ClinGen allele CA263579138.

ClinVar aggregate classification (germline): Uncertain significance (1 of 4 stars; one submission).

Allele frequency attached by ClinVar (database versions not stated): TOPMed 0.00001.

Submission:

Labcorp Genetics (formerly Invitae), Labcorp
Classification: Uncertain significance. Last evaluated: 2022-09-03. Review status: criteria provided, single submitter. Criteria: Invitae Variant Classification Sherloc (09022015). Collection method: clinical testing. Allele origin: germline.
Comment: This sequence change replaces proline, which is neutral and non-polar, with serine, which is neutral and polar, at codon 1555 of the LTBP2 protein (p.Pro1555Ser). This variant is present in population databases (no rsID available, gnomAD 0.0009%). This variant has not been reported in the literature in individuals affected with LTBP2-related conditions. Algorithms developed to predict the effect of missense changes on protein structure and function (SIFT, PolyPhen-2, Align-GVGD) all suggest that this variant is likely to be disruptive. In summary, the available evidence is currently insufficient to determine the role of this variant in disease. Therefore, it has been classified as a Variant of Uncertain Significance.